The following is an entry in ClinVar:

ClinVar aggregate classification (germline): Pathogenic. Review status: criteria provided, multiple submitters, no conflicts (2 of 4 stars). 3 submissions from 3 submitters: Pathogenic (3). Last evaluated 2024-12-27.

Conditions:
Congenital myasthenic syndrome (CMS). Also called: Congenital Myasthenic Syndromes. Identifiers: Orphanet 590, MedGen C0751882, MeSH D020294, MONDO:0018940.
Congenital myasthenic syndrome 4A. Also called: Myasthenic syndrome, congenital, 4a, slow-channel; MYASTHENIC SYNDROME, CONGENITAL, 4A, SLOW-CHANNEL, AUTOSOMAL RECESSIVE; CONGENITAL MYASTHENIC SYNDROME TYPE Ia1. Identifiers: Orphanet 590, MedGen C4225413, MONDO:0011600, OMIM 605809.

Allele frequency attached by ClinVar (database versions not stated): gnomAD exomes below 0.00001.
gnomAD v4.1: 4 of 1,573,604 alleles (0.00025%); highest among the groups gnomAD compares: Non-Finnish European, 0.00026%; no homozygotes.

Submissions (3):

Natera, Inc.
Classification: Pathogenic for Congenital myasthenic syndrome. Last evaluated: 2024-12-27. Review status: criteria provided, single submitter. Criteria: Natera Variant Classification Schema (03/2026). Collection method: clinical testing. Allele origin: germline.
Comment: The c.918-1G>A variant in CHRNE is a canonical splice acceptor site variant predicted to affect pre-mRNA splicing, which may result in an abnormal transcript and altered protein product. This variant is expected to result in nonsense mediated decay, truncation, or a dysfunctional protein product. This variant is rare in the general population with a frequency below the threshold expected for the associated phenotype(s). This variant has been observed in one or more individuals affected with the associated recessive disease, as either homozygous or compound heterozygous with a second variant (PMID: 15145336, 14592868). Given the available evidence, this variant is classified as Pathogenic.

Baylor Genetics
Classification: Pathogenic for Congenital myasthenic syndrome 4A. Last evaluated: 2023-10-17. Review status: criteria provided, single submitter. Criteria: ACMG Guidelines, 2015. Collection method: clinical testing. Allele origin: unknown.

Labcorp Genetics (formerly Invitae), Labcorp
Classification: Pathogenic for Congenital myasthenic syndrome 4A. Last evaluated: 2023-08-30. Review status: criteria provided, single submitter. Criteria: Invitae Variant Classification Sherloc (09022015). Collection method: clinical testing. Allele origin: germline.
Comment: Disruption of this splice site has been observed in individual(s) with congenital myasthenic syndrome (PMID: 14592868). In at least one individual the data is consistent with being in trans (on the opposite chromosome) from a pathogenic variant. For these reasons, this variant has been classified as Pathogenic. Algorithms developed to predict the effect of sequence changes on RNA splicing suggest that this variant may disrupt the consensus splice site. ClinVar contains an entry for this variant (Variation ID: 582326). This variant is also known as IVS8-1G>A. This variant is not present in population databases (gnomAD no frequency). This sequence change affects an acceptor splice site in intron 8 of the CHRNE gene. It is expected to disrupt RNA splicing. Variants that disrupt the donor or acceptor splice site typically lead to a loss of protein function (PMID: 16199547), and loss-of-function variants in CHRNE are known to be pathogenic (PMID: 22678886).

Literature cited by the submitters: PubMed 15145336 (cited by Natera, Inc.); PubMed 14592868 (cited by Natera, Inc. and Labcorp Genetics (formerly Invitae), Labcorp); PubMed 16199547 (cited by Labcorp Genetics (formerly Invitae), Labcorp); PubMed 22678886 (cited by Labcorp Genetics (formerly Invitae), Labcorp).

NM_000080.4(CHRNE):c.918-1G>A

Genes: C17orf107 (chromosome 17 open reading frame 107; plus strand), CHRNE (cholinergic receptor nicotinic epsilon subunit; minus strand). Cytogenetic location: 17p13.2.
Variant type: single nucleotide variant.
Coding change: c.918-1G>A on transcript NM_000080.4 (MANE Select); the canonical splice acceptor site of the intron before coding-DNA position 918, G replaced by A.
Molecular consequence: splice acceptor variant. On other transcripts: 5 prime UTR variant (1).
Genome position (GRCh38, 1-based): chr17:4,899,583, C>T on the plus strand (G>A on the coding strand, the complement: CHRNE is on the minus strand). VCF-style: chr17-4899583-C-T. GRCh37 (hg19) VCF-style: chr17-4802878-C-T.
Other names: c.-180C>T (NM_001145536.2).
Identifiers: ClinVar variation 582326 (VCV000582326.13), dbSNP rs1407243713, ClinGen allele CA397301161.
Genomic context (GRCh38, chr17:4,899,583, plus strand): 5'-AGCACGATGACGCAATTCATGACAATGAGCGTGGCGACCACCATGACGAAAATAAGGAAC[C>T]TGAGGAGCCCGGAAGGCATGACATCACCGTTCCTCCTCCCAGCTACCGAAGGCGCCGCGC-3'